The following is an entry in ClinVar:

ClinVar aggregate classification (germline): Uncertain significance (1 of 4 stars; one submission).

Submission:

Labcorp Genetics (formerly Invitae), Labcorp
Classification: Uncertain significance. Last evaluated: 2025-02-20. Review status: criteria provided, single submitter. Criteria: Invitae Variant Classification Sherloc (09022015). Collection method: clinical testing. Allele origin: germline.
Comment: This sequence change falls in intron 2 of the NSD1 gene. It does not directly change the encoded amino acid sequence of the NSD1 protein. This variant is present in population databases (rs763202702, gnomAD 0.006%). This variant has not been reported in the literature in individuals affected with NSD1-related conditions. Experimental studies and prediction algorithms are not available or were not evaluated, and the effect of this variant on mRNA splicing is currently unknown. In summary, the available evidence is currently insufficient to determine the role of this variant in disease. Therefore, it has been classified as a Variant of Uncertain Significance.

NM_022455.5(NSD1):c.927+16_927+51del

Gene: NSD1 (nuclear receptor binding SET domain protein 1; plus strand). Cytogenetic location: 5q35.3.
Variant type: Deletion.
Coding change: c.927+16_927+51del on transcript NM_022455.5 (MANE Select); bases 16 to 51 of the intron after coding-DNA position 927, 36 bases deleted.
Molecular consequence: intron variant.
Genome position (GRCh38, 1-based): chr5:177,136,046-177,136,081, 36 bases deleted; deleting any 36 consecutive bases within chr5:177,136,045-177,136,081 gives the same sequence; the c. name uses the placement nearest the transcript's 3' end. GRCh37 (hg19): chr5:176,563,047-176,563,082.
Other names: c.927+16_927+51del (NM_001409301.1, NM_001409302.1, NM_001409303.1); c.507+16_507+51del (NM_001409304.1); c.54+16_54+51del (NM_001409305.1, NM_001409306.1, NM_001409308.1 and 4 more transcripts).
Identifiers: ClinVar variation 3630944 (VCV003630944.2).
Genomic context (GRCh38, chr5:177,136,044, plus strand): 5'-AATTACCTGGAACTTCATCATCATCTACTTCACAGGAATTGCCATTTGTAAGCAGTTTTT[GGTACAACTTAAATATATACATATATGTATATATACA>G]GGCCACTTAAAGGGAAACTTGTAACAAATTTGTTTTTGGTTGCTTATCAGTTCACAGCTG-3'